The following is an entry in ClinVar:

ClinVar aggregate classification (germline): Uncertain significance (1 of 4 stars; one submission).

Allele frequency attached by ClinVar (database versions not stated): gnomAD exomes below 0.00001; ExAC 0.00001.
gnomAD v4.1: 2 of 1,610,274 alleles (0.00012%); highest among the groups gnomAD compares: South Asian, 0.0022%; no homozygotes.

Submission:

CeGaT Center for Human Genetics Tuebingen
Classification: Uncertain significance. Last evaluated: 2023-01-01. Review status: criteria provided, single submitter. Criteria: CeGaT Center For Human Genetics Tuebingen Variant Classification Criteria Version 2. Collection method: clinical testing. Allele origin: germline. Affected: yes. Observed: 1 variant allele.
Comment: IFIH1: PM2, PM3:Supporting, BP4

NM_022168.4(IFIH1):c.1568A>G (p.Glu523Gly)

Gene: IFIH1 (interferon induced with helicase C domain 1; minus strand). Cytogenetic location: 2q24.2.
Variant type: single nucleotide variant.
Coding change: c.1568A>G on transcript NM_022168.4 (MANE Select); coding-DNA position 1568, A replaced by G.
Protein change: p.Glu523Gly; replaces glutamic acid 523 with glycine.
Molecular consequence: missense variant.
Genome position (GRCh38, 1-based): chr2:162,280,069, T>C on the plus strand (A>G on the coding strand, the complement: IFIH1 is on the minus strand). VCF-style: chr2-162280069-T-C. GRCh37 (hg19) VCF-style: chr2-163136579-T-C.
Other names: short protein forms E523G.
Identifiers: ClinVar variation 2651468 (VCV002651468.24), dbSNP rs752062817, ClinGen allele CA1934484.
Genomic context (GRCh38, chr2:162,280,069, plus strand): 5'-TCTGCAATGGCAAACTTCTTGCATGGCTCCTGTATTTGGTTTTTCAGTTGATCAAGGTTT[T>C]CTTTAACAGTTTTAATAGTAAATGCATCAAGATTGGCACATAGCTGGAAAAGAGACATTT-3'
Protein context (NP_071451.2, residues 513-533): LDAFTIKTVK[Glu523Gly]NLDQLKNQIQ